The following is an entry in ClinVar:

ClinVar aggregate classification (germline): Uncertain significance (1 of 4 stars; one submission).

Conditions:
Severe combined immunodeficiency, autosomal recessive, T cell-negative, B cell-negative, NK cell-positive. Also called: SCID, T CELL-NEGATIVE, B CELL-NEGATIVE, NK CELL-POSITIVE; SCID, AR, T-cell negative, B-cell negative, NK cell-positive; Severe combined immunodeficiency due to complete RAG1/2 deficiency. Identifiers: Orphanet 331206, MedGen C1832322, MONDO:0011086, OMIM 601457.
Combined immunodeficiency with skin granulomas. Identifiers: Orphanet 157949, MedGen C2673536, MONDO:0009306, OMIM 233650.

Allele frequency attached by ClinVar (database versions not stated): gnomAD exomes below 0.00001; gnomAD 0.00001; TOPMed 0.00002; ESP Exome Variant Server 0.00008.
gnomAD v4.1: 2 of 1,614,064 alleles (0.00012%); highest among the groups gnomAD compares: African/African-American, 0.0027%; no homozygotes.

Submission:

Labcorp Genetics (formerly Invitae), Labcorp
Classification: Uncertain significance for Combined immunodeficiency with skin granulomas; Severe combined immunodeficiency, autosomal recessive, T cell-negative, B cell-negative, NK cell-positive. Last evaluated: 2021-05-27. Review status: criteria provided, single submitter. Criteria: Invitae Variant Classification Sherloc (09022015). Collection method: clinical testing. Allele origin: germline.
Comment: In summary, the available evidence is currently insufficient to determine the role of this variant in disease. Therefore, it has been classified as a Variant of Uncertain Significance. Advanced modeling of protein sequence and biophysical properties (such as structural, functional, and spatial information, amino acid conservation, physicochemical variation, residue mobility, and thermodynamic stability) performed at Invitae indicates that this missense variant is expected to disrupt RAG1 protein function. This variant has not been reported in the literature in individuals with RAG1-related conditions. This variant is not present in population databases (ExAC no frequency). This sequence change replaces glycine with serine at codon 802 of the RAG1 protein (p.Gly802Ser). The glycine residue is highly conserved and there is a small physicochemical difference between glycine and serine.

NM_000448.3(RAG1):c.2404G>A (p.Gly802Ser)

Gene: RAG1 (recombination activating 1; plus strand). Cytogenetic location: 11p12.
Variant type: single nucleotide variant.
Coding change: c.2404G>A on transcript NM_000448.3 (MANE Select); coding-DNA position 2404, G replaced by A.
Protein change: p.Gly802Ser; replaces glycine 802 with serine.
Molecular consequence: missense variant.
Genome position (GRCh38, 1-based): chr11:36,575,708, G>A. VCF-style: chr11-36575708-G-A. GRCh37 (hg19) VCF-style: chr11-36597258-G-A.
Other names: c.2404G>A, p.Gly802Ser (NM_001377277.1, NM_001377278.1, NM_001377279.1 and 1 more transcripts); short protein forms G802S.
Identifiers: ClinVar variation 1426174 (VCV001426174.8), dbSNP rs151322536, ClinGen allele CA220601547.
Genomic context (GRCh38, chr11:36,575,708, plus strand): 5'-GTCTCAGCTAAACCTTTCATTGAGACAGTCCCTTCCATAGATGCACTCCACTGTGACATT[G>A]GCAATGCAGCTGAGTTCTACAAGATCTTCCAGCTAGAGATAGGGGAAGTGTATAAGAATC-3'
Protein context (NP_000439.2, residues 792-812): PSIDALHCDI[Gly802Ser]NAAEFYKIFQ